The following is an entry in ClinVar:

NM_014727.3(KMT2B):c.5723C>G (p.Ala1908Gly)

Gene: KMT2B (lysine methyltransferase 2B; plus strand). Cytogenetic location: 19q13.12.
Variant type: single nucleotide variant.
Coding change: c.5723C>G on transcript NM_014727.3 (MANE Select); coding-DNA position 5723, C replaced by G.
Protein change: p.Ala1908Gly; replaces alanine 1908 with glycine.
Molecular consequence: missense variant.
Genome position (GRCh38, 1-based): chr19:35,732,272, C>G. VCF-style: chr19-35732272-C-G. GRCh37 (hg19) VCF-style: chr19-36223173-C-G.
Other names: short protein forms A1908G.
Identifiers: ClinVar variation 722511 (VCV000722511.35), dbSNP rs373355746, ClinGen allele CA9385514.

ClinVar aggregate classification (germline): Likely benign. Review status: criteria provided, multiple submitters, no conflicts (2 of 4 stars). 4 submissions from 4 submitters: Likely benign (3). 1 of the submissions does not count toward it. Last evaluated 2025-12-01.

Conditions:
Intellectual developmental disorder, autosomal dominant 68 (MRD68). Also called: MENTAL RETARDATION, AUTOSOMAL DOMINANT 68. Identifiers: MedGen C5677008, MONDO:0030969, OMIM 619934.
Dystonia 28, childhood-onset (DYT28). Also called: KMT2B-Related Dystonia (DYT-KMT2B). Identifiers: Orphanet 589618, MedGen C4310633, MONDO:0015004, OMIM 617284.
KMT2B-related disorder. Also called: KMT2B-related condition; KMT2B-related disorders. Identifiers: MedGen CN381338.

Allele frequency attached by ClinVar (database versions not stated): ESP Exome Variant Server 0.00016; gnomAD exomes 0.00021 and 0.00038; gnomAD 0.00032 and 0.00034; ExAC 0.00034; TOPMed 0.00034.
gnomAD v4.1: 375 of 1,609,352 alleles (0.023%); highest among the groups gnomAD compares: Middle Eastern, 0.016%; 1 homozygote.

Submissions (4):

Labcorp Genetics (formerly Invitae), Labcorp
Classification: Likely benign. Last evaluated: 2025-12-01. Review status: criteria provided, single submitter. Criteria: Invitae Variant Classification Sherloc (09022015). Collection method: clinical testing. Allele origin: germline.

CeGaT Center for Human Genetics Tuebingen
Classification: Likely benign. Last evaluated: 2025-02-01. Review status: criteria provided, single submitter. Criteria: CeGaT Center For Human Genetics Tuebingen Variant Classification Criteria Version 2. Collection method: clinical testing. Allele origin: germline. Affected: yes. Observed: 3 variant alleles.
Comment: KMT2B: BP4, BS2

Department of Pathology and Laboratory Medicine, Sinai Health System
Classification: Likely benign for Dystonia 28, childhood-onset; Intellectual developmental disorder, autosomal dominant 68. Last evaluated: 2020-07-17. Review status: criteria provided, single submitter. Criteria: ACMG Guidelines, 2015. Collection method: research. Allele origin: germline.

PreventionGenetics, part of Exact Sciences
Classification: Benign for KMT2B-related condition. Last evaluated: 2020-05-26. Review status: no assertion criteria provided. Collection method: clinical testing. Allele origin: germline. Not counted in ClinVar's aggregate classification.
Comment: This variant is classified as benign based on ACMG/AMP sequence variant interpretation guidelines (Richards et al. 2015 PMID: 25741868, with internal and published modifications).